The following is an entry in ClinVar:

ClinVar aggregate classification (germline): Uncertain significance. Review status: criteria provided, multiple submitters, no conflicts (2 of 4 stars). 2 submissions from 2 submitters: Uncertain significance (2). Last evaluated 2025-11-18.

Allele frequency attached by ClinVar (database versions not stated): TOPMed 0.00001.
gnomAD v4.1: 9 of 1,613,454 alleles (0.00056%); highest among the groups gnomAD compares: Admixed American, 0.0067%; no homozygotes.

Submissions (2):

Labcorp Genetics (formerly Invitae), Labcorp
Classification: Uncertain significance. Last evaluated: 2025-11-18. Review status: criteria provided, single submitter. Criteria: Invitae Variant Classification Sherloc (09022015). Collection method: clinical testing. Allele origin: germline.
Comment: This sequence change replaces tryptophan, which is neutral and slightly polar, with arginine, which is basic and polar, at codon 592 of the FAM111A protein (p.Trp592Arg). This variant is present in population databases (no rsID available, gnomAD 0.01%). This variant has not been reported in the literature in individuals affected with FAM111A-related conditions. ClinVar contains an entry for this variant (Variation ID: 1450139). Invitae Evidence Modeling of protein sequence and biophysical properties (such as structural, functional, and spatial information, amino acid conservation, physicochemical variation, residue mobility, and thermodynamic stability) indicates that this missense variant is not expected to disrupt FAM111A protein function with a negative predictive value of 80%. In summary, the available evidence is currently insufficient to determine the role of this variant in disease. Therefore, it has been classified as a Variant of Uncertain Significance.

Women's Health and Genetics/Laboratory Corporation of America, LabCorp
Classification: Uncertain significance. Last evaluated: 2025-06-11. Review status: criteria provided, single submitter. Criteria: LabCorp Variant Classification Summary - May 2015. Collection method: clinical testing. Allele origin: germline.
Comment: Variant summary: FAM111A c.1774T>C (p.Trp592Arg) results in a non-conservative amino acid change in the encoded protein sequence. Algorithms developed to predict the effect of missense changes on protein structure and function are either unavailable or do not agree on the potential impact of this missense change. The variant allele was found at a frequency of 2e-05 in 250656 control chromosomes (gnomAD). The available data on variant occurrences in the general population are insufficient to allow any conclusion about variant significance. To our knowledge, no occurrence of c.1774T>C in individuals affected with Autosomal Dominant Kenny-Caffey Syndrome and no experimental evidence demonstrating its impact on protein function have been reported. ClinVar contains an entry for this variant (Variation ID: 1450139). Based on the evidence outlined above, the variant was classified as uncertain significance.

NM_001312909.2(FAM111A):c.1774T>C (p.Trp592Arg)

Gene: FAM111A (FAM111 trypsin like peptidase A; plus strand). Cytogenetic location: 11q12.1.
Variant type: single nucleotide variant.
Coding change: c.1774T>C on transcript NM_001312909.2 (MANE Select); coding-DNA position 1774, T replaced by C.
Protein change: p.Trp592Arg; replaces tryptophan 592 with arginine.
Molecular consequence: missense variant.
Genome position (GRCh38, 1-based): chr11:59,153,442, T>C. VCF-style: chr11-59153442-T-C. GRCh37 (hg19) VCF-style: chr11-58920915-T-C.
Other names: c.1774T>C, p.Trp592Arg (NM_001142519.3, NM_001142520.3, NM_001142521.3 and 29 more transcripts); short protein forms W592R.
Identifiers: ClinVar variation 1450139 (VCV001450139.7), dbSNP rs146642664, ClinGen allele CA380790297.